The following is an entry in ClinVar:

ClinVar aggregate classification (germline): Uncertain significance. Review status: criteria provided, multiple submitters, no conflicts (2 of 4 stars). 2 submissions from 2 submitters: Uncertain significance (2). Last evaluated 2026-01-07.

Conditions:
Hereditary cancer-predisposing syndrome. Also called: Neoplastic Syndromes, Hereditary; Tumor predisposition; Hereditary neoplastic syndrome; Hereditary Cancer Syndrome. Identifiers: Orphanet 140162, MedGen C0027672, MeSH D009386, MONDO:0015356.

Allele frequency attached by ClinVar (database versions not stated): gnomAD exomes 0.00001.
gnomAD v4.1: 11 of 1,547,074 alleles (0.00071%); highest among the groups gnomAD compares: Middle Eastern, 0.023%; no homozygotes.

Submissions (2):

Labcorp Genetics (formerly Invitae), Labcorp
Classification: Uncertain significance. Last evaluated: 2026-01-07. Review status: criteria provided, single submitter. Criteria: Invitae Variant Classification Sherloc (09022015). Collection method: clinical testing. Allele origin: germline.
Comment: This sequence change replaces valine, which is neutral and non-polar, with leucine, which is neutral and non-polar, at codon 15 of the FH protein (p.Val15Leu). The frequency data for this variant in the population databases is considered unreliable, as metrics indicate poor data quality at this position in the gnomAD database. This variant has not been reported in the literature in individuals affected with FH-related conditions. ClinVar contains an entry for this variant (Variation ID: 824867). Invitae Evidence Modeling of protein sequence and biophysical properties (such as structural, functional, and spatial information, amino acid conservation, physicochemical variation, residue mobility, and thermodynamic stability) indicates that this missense variant is not expected to disrupt FH protein function with a negative predictive value of 95%. In summary, the available evidence is currently insufficient to determine the role of this variant in disease. Therefore, it has been classified as a Variant of Uncertain Significance.

Ambry Genetics
Classification: Uncertain significance for Hereditary cancer-predisposing syndrome. Last evaluated: 2023-02-02. Review status: criteria provided, single submitter. Criteria: Ambry Variant Classification Scheme 2023. Collection method: clinical testing. Allele origin: germline.
Comment: The p.V15L variant (also known as c.43G>T), located in coding exon 1 of the FH gene, results from a G to T substitution at nucleotide position 43. The valine at codon 15 is replaced by leucine, an amino acid with highly similar properties. This amino acid position is poorly conserved in available vertebrate species. In addition, this alteration is predicted to be tolerated by in silico analysis. Since supporting evidence is limited at this time, the clinical significance of this alteration remains unclear.

NM_000143.4(FH):c.43G>T (p.Val15Leu)

Gene: FH (fumarate hydratase; minus strand). Cytogenetic location: 1q43.
Variant type: single nucleotide variant.
Coding change: c.43G>T on transcript NM_000143.4 (MANE Select); coding-DNA position 43, G replaced by T.
Protein change: p.Val15Leu; replaces valine 15 with leucine.
Molecular consequence: missense variant.
Genome position (GRCh38, 1-based): chr1:241,519,680, C>A on the plus strand (G>T on the coding strand, the complement: FH is on the minus strand). VCF-style: chr1-241519680-C-A. GRCh37 (hg19) VCF-style: chr1-241682980-C-A.
Other names: short protein forms V15L.
Identifiers: ClinVar variation 824867 (VCV000824867.15), dbSNP rs1463008959, ClinGen allele CA345442973.
Genomic context (GRCh38, chr1:241,519,680, plus strand): 5'-AGGGCACGGCCGCGCCACCCAAGCCGGGAGCCGAAGCTAAGGCTGCGGCTGGAGCCCGCA[C>A]GAGGGGACGCGAGCGCGCGAGGAGCCGAAGTGCTCGGTACATGGTGCTGAGGGAGCTTGG-3'
Protein context (NP_000134.2, residues 5-25): LRLLARSRPL[Val15Leu]RAPAAALASA